The following is an entry in ClinVar:

ClinVar aggregate classification (germline): Uncertain significance. Review status: criteria provided, multiple submitters, no conflicts (2 of 4 stars). 3 submissions from 3 submitters: Uncertain significance (2). 1 of the submissions does not count toward it. Last evaluated 2022-05-06.

Conditions:
Nemaline myopathy 2 (NEM2). Also called: Nemaline myopathy 2, autosomal recessive. Identifiers: MedGen C1850569, MONDO:0009725, OMIM 256030.

Allele frequency attached by ClinVar (database versions not stated): TOPMed 0.00002; gnomAD 0.00003; gnomAD exomes below 0.00001 and 0.00001.
gnomAD v4.1: 21 of 1,613,666 alleles (0.0013%); highest among the groups gnomAD compares: Admixed American, 0.0017%; no homozygotes.

Submissions (3):

Labcorp Genetics (formerly Invitae), Labcorp
Classification: Uncertain significance for Nemaline myopathy 2. Last evaluated: 2022-05-06. Review status: criteria provided, single submitter. Criteria: Invitae Variant Classification Sherloc (09022015). Collection method: clinical testing. Allele origin: germline.
Comment: This sequence change replaces alanine, which is neutral and non-polar, with serine, which is neutral and polar, at codon 3861 of the NEB protein (p.Ala3861Ser). This variant is present in population databases (rs750748717, gnomAD 0.003%). This missense change has been observed in individual(s) with NEB-related conditions (Invitae). In at least one individual the data is consistent with being in trans (on the opposite chromosome) from a pathogenic variant. ClinVar contains an entry for this variant (Variation ID: 449660). Algorithms developed to predict the effect of missense changes on protein structure and function are either unavailable or do not agree on the potential impact of this missense change (SIFT: "Deleterious"; PolyPhen-2: "Not Available"; Align-GVGD: "Class C0"). In summary, the available evidence is currently insufficient to determine the role of this variant in disease. Therefore, it has been classified as a Variant of Uncertain Significance.

GeneDx
Classification: Uncertain significance. Last evaluated: 2019-12-16. Review status: criteria provided, single submitter. Criteria: GeneDx Variant Classification Process June 2021. Collection method: clinical testing. Allele origin: germline. Affected: yes.
Comment: Not observed at a significant frequency in large population cohorts (Lek et al., 2016); In silico analysis, which includes protein predictors and evolutionary conservation, supports that this variant does not alter protein structure/function; Reported as a variant of uncertain significance in ClinVar but additional evidence is not available (ClinVar SCV000829230.1; Landrum et al., 2016); Has not been previously published as pathogenic or benign to our knowledge

Natera, Inc.
Classification: Uncertain significance for Nemaline myopathy type 2. Last evaluated: 2020-09-10. Review status: no assertion criteria provided. Collection method: clinical testing. Allele origin: germline. Not counted in ClinVar's aggregate classification.

NM_001164508.2(NEB):c.11581G>T (p.Ala3861Ser)

Gene: NEB (nebulin; minus strand). Cytogenetic location: 2q23.3.
Variant type: single nucleotide variant.
Coding change: c.11581G>T on transcript NM_001164508.2 (MANE Select); coding-DNA position 11581, G replaced by T.
Protein change: p.Ala3861Ser; replaces alanine 3861 with serine.
Molecular consequence: missense variant.
Genome position (GRCh38, 1-based): chr2:151,614,296, C>A on the plus strand (G>T on the coding strand, the complement: NEB is on the minus strand). VCF-style: chr2-151614296-C-A. GRCh37 (hg19) VCF-style: chr2-152470810-C-A.
Other names: c.11581G>T, p.Ala3861Ser (NM_001164507.2, NM_001271208.2); c.10852G>T, p.Ala3618Ser (NM_004543.5); short protein forms A3861S, A3618S.
Identifiers: ClinVar variation 449660 (VCV000449660.10), dbSNP rs750748717, ClinGen allele CA57637822.
Genomic context (GRCh38, chr2:151,614,296, plus strand): 5'-CTTTTCTAAACCATTACTGAAGAATATTAGAGCCACTCACATCACTCTGCAGGTCATAGG[C>A]CTTCCGAGCCTGAATGACGTCATTCTGATCAGGCAGGCAGGTCCATTCATGCAGGGGATG-3'
Protein context (NP_001157980.2, residues 3851-3871): DQNDVIQARK[Ala3861Ser]YDLQSDAIYK